The following is an entry in ClinVar:

NM_001999.4(FBN2):c.4402G>A (p.Val1468Ile)

Gene: FBN2 (fibrillin 2; minus strand). Cytogenetic location: 5q23.3.
Variant type: single nucleotide variant.
Coding change: c.4402G>A on transcript NM_001999.4 (MANE Select); coding-DNA position 4402, G replaced by A.
Protein change: p.Val1468Ile; replaces valine 1468 with isoleucine.
Molecular consequence: missense variant.
Genome position (GRCh38, 1-based): chr5:128,328,765, C>T on the plus strand (G>A on the coding strand, the complement: FBN2 is on the minus strand). VCF-style: chr5-128328765-C-T. GRCh37 (hg19) VCF-style: chr5-127664457-C-T.
Other names: short protein forms V1468I.
Identifiers: ClinVar variation 264519 (VCV000264519.11), dbSNP rs199668238, ClinGen allele CA3394971.

ClinVar aggregate classification (germline): Conflicting classifications of pathogenicity. Review status: criteria provided, conflicting classifications (1 of 4 stars). 2 submissions from 2 submitters: Uncertain significance (1); Benign (1). Last evaluated 2022-08-16.

Conditions:
Congenital contractural arachnodactyly (CCA). Also called: BEALS SYNDROME; Beals-Hecht syndrome; Arthrogryposis, distal, type 9. Identifiers: Orphanet 115, MedGen C0220668, MONDO:0007363, OMIM 121050.
Familial thoracic aortic aneurysm and aortic dissection (TAAD). Also called: Thoracic aortic aneurysms and dissections. Identifiers: Orphanet 91387, MedGen C4707243, MONDO:0019625.

Allele frequency attached by ClinVar (database versions not stated): gnomAD exomes 0.00001; ExAC 0.00002; 1000 Genomes Project 30x 0.00016; 1000 Genomes Project 0.00020.
gnomAD v4.1: 3 of 1,614,156 alleles (0.00019%); highest among the groups gnomAD compares: East Asian, 0.0022%; no homozygotes.

Submissions (2):

Labcorp Genetics (formerly Invitae), Labcorp
Classification: Benign for Congenital contractural arachnodactyly. Last evaluated: 2022-08-16. Review status: criteria provided, single submitter. Criteria: Invitae Variant Classification Sherloc (09022015). Collection method: clinical testing. Allele origin: germline.

Ambry Genetics
Classification: Uncertain significance for Familial thoracic aortic aneurysm and aortic dissection. Last evaluated: 2015-12-01. Review status: criteria provided, single submitter. Criteria: Ambry Variant Classification Scheme 2023. Collection method: clinical testing. Allele origin: germline.
Comment: The p.V1468I variant (also known as c.4402G>A), located in coding exon 34 of the FBN2 gene, results from a G to A substitution at nucleotide position 4402. The valine at codon 1468 is replaced by isoleucine, an amino acid with highly similar properties. This variant was previously reported in the SNPDatabase as rs199668238. Based on data from the 1000 Genomes Project, the A allele has an overall frequency of approximately 0.05% (1/2098) total alleles studied. The highest observed frequency was 0.86% (1/116) Mexican-American alleles. In population based cohorts in NHLBI Exome Sequencing Project (ESP), this variant was not observed in 6503 samples (13006 alleles) with coverage at this position. This amino acid position is not well conserved in available vertebrate species. In addition, this alteration is predicted to be tolerated by in silico analysis. Since supporting evidence is limited at this time, the clinical significance of this variant remains unclear.